The following is an entry in ClinVar:

NM_024298.5(MBOAT7):c.930C>T (p.Cys310=)

Gene: MBOAT7 (membrane bound acylglycerophosphatidylinositol O-acyltransferase MBOAT7; minus strand). Cytogenetic location: 19q13.42.
Variant type: single nucleotide variant.
Coding change: c.930C>T on transcript NM_024298.5 (MANE Select); coding-DNA position 930, C replaced by T.
Protein change: p.Cys310=; no amino-acid change (cysteine 310 retained).
Molecular consequence: synonymous variant.
Genome position (GRCh38, 1-based): chr19:54,178,866, G>A on the plus strand (C>T on the coding strand, the complement: MBOAT7 is on the minus strand). VCF-style: chr19-54178866-G-A. GRCh37 (hg19) VCF-style: chr19-54682583-G-A.
Other names: c.711C>T, p.Cys237= (NM_001146056.3, NM_001146083.3); c.930C>T, p.Cys310= (NM_001146082.3).
Identifiers: ClinVar variation 932558 (VCV000932558.40), dbSNP rs149699444, ClinGen allele CA309346274.
Genomic context (GRCh38, chr19:54,178,866, plus strand): 5'-CTGCGCCAGCCACCACTGCACCGTCATGTTCCAGTACCGCATGCCATCGCGCACCCGCAC[G>A]CAGAAATCTGTGCTGTAGCAGTCGATGTTGCGGATGGTCTCATAGTCATACTCCAAGGAA-3'
Protein context (NP_077274.3, residues 300-320): RNIDCYSTDF[Cys310=]VRVRDGMRYW

ClinVar aggregate classification (germline): Likely benign. Review status: criteria provided, multiple submitters, no conflicts (2 of 4 stars). 2 submissions from 2 submitters: Likely benign (2). Last evaluated 2025-08-01.

Allele frequency attached by ClinVar (database versions not stated): gnomAD 0.00007 and 0.00013; TOPMed 0.00011; gnomAD exomes 0.00030 and 0.00034; ESP Exome Variant Server 0.00031; ExAC 0.00034; 1000 Genomes Project 30x 0.00047; 1000 Genomes Project 0.00060.
gnomAD v4.1: 448 of 1,613,660 alleles (0.028%); highest among the groups gnomAD compares: South Asian, 0.22%; 2 homozygotes.

Submissions (2):

CeGaT Center for Human Genetics Tuebingen
Classification: Likely benign. Last evaluated: 2025-08-01. Review status: criteria provided, single submitter. Criteria: CeGaT Center For Human Genetics Tuebingen Variant Classification Criteria Version 2. Collection method: clinical testing. Allele origin: germline. Affected: yes. Observed: 2 variant alleles.
Comment: MBOAT7: BP4, BP7

Blueprint Genetics
Classification: Likely benign. Last evaluated: 2024-09-20. Review status: criteria provided, single submitter. Criteria: ACMG Guidelines, 2015. Collection method: clinical testing. Allele origin: germline.